The following is an entry in ClinVar:

NM_001080467.3(MYO5B):c.1030C>T (p.Arg344Cys)

Gene: MYO5B (myosin VB; minus strand). Cytogenetic location: 18q21.1.
Variant type: single nucleotide variant.
Coding change: c.1030C>T on transcript NM_001080467.3 (MANE Select); coding-DNA position 1030, C replaced by T.
Protein change: p.Arg344Cys; replaces arginine 344 with cysteine.
Molecular consequence: missense variant.
Genome position (GRCh38, 1-based): chr18:49,980,470, G>A on the plus strand (C>T on the coding strand, the complement: MYO5B is on the minus strand). VCF-style: chr18-49980470-G-A. GRCh37 (hg19) VCF-style: chr18-47506840-G-A.
Other names: short protein forms R344C.
Identifiers: ClinVar variation 1363025 (VCV001363025.5), dbSNP rs777672829, ClinGen allele CA299986713.

ClinVar aggregate classification (germline): Uncertain significance (1 of 4 stars; one submission).

Allele frequency attached by ClinVar (database versions not stated): gnomAD 0.00001; TOPMed 0.00001.
gnomAD v4.1: 41 of 1,612,950 alleles (0.0025%); highest among the groups gnomAD compares: Non-Finnish European, 0.0033%; no homozygotes.

Submission:

Labcorp Genetics (formerly Invitae), Labcorp
Classification: Uncertain significance. Last evaluated: 2022-05-06. Review status: criteria provided, single submitter. Criteria: Invitae Variant Classification Sherloc (09022015). Collection method: clinical testing. Allele origin: germline.
Comment: This sequence change replaces arginine, which is basic and polar, with cysteine, which is neutral and slightly polar, at codon 344 of the MYO5B protein (p.Arg344Cys). This variant is present in population databases (rs777672829, gnomAD 0.007%). This variant has not been reported in the literature in individuals affected with MYO5B-related conditions. Algorithms developed to predict the effect of missense changes on protein structure and function are either unavailable or do not agree on the potential impact of this missense change (SIFT: "Deleterious"; PolyPhen-2: "Probably Damaging"; Align-GVGD: "Class C0"). In summary, the available evidence is currently insufficient to determine the role of this variant in disease. Therefore, it has been classified as a Variant of Uncertain Significance.